The following is an entry in ClinVar:

ClinVar aggregate classification (germline): Uncertain significance (1 of 4 stars; one submission).

Allele frequency attached by ClinVar (database versions not stated): ExAC 0.00001; gnomAD exomes 0.00001; TOPMed 0.00001; gnomAD 0.00002.
gnomAD v4.1: 23 of 1,605,742 alleles (0.0014%); highest among the groups gnomAD compares: Non-Finnish European, 0.0019%; no homozygotes.

Submission:

Labcorp Genetics (formerly Invitae), Labcorp
Classification: Uncertain significance. Last evaluated: 2022-07-12. Review status: criteria provided, single submitter. Criteria: Invitae Variant Classification Sherloc (09022015). Collection method: clinical testing. Allele origin: germline.
Comment: This sequence change replaces alanine, which is neutral and non-polar, with proline, which is neutral and non-polar, at codon 867 of the PLK4 protein (p.Ala867Pro). This variant is present in population databases (rs759788230, gnomAD 0.002%). This variant has not been reported in the literature in individuals affected with PLK4-related conditions. ClinVar contains an entry for this variant (Variation ID: 1486920). Algorithms developed to predict the effect of missense changes on protein structure and function (SIFT, PolyPhen-2, Align-GVGD) all suggest that this variant is likely to be tolerated. In summary, the available evidence is currently insufficient to determine the role of this variant in disease. Therefore, it has been classified as a Variant of Uncertain Significance.

NM_014264.5(PLK4):c.2599G>C (p.Ala867Pro)

Gene: PLK4 (polo like kinase 4; plus strand). Cytogenetic location: 4q28.1.
Variant type: single nucleotide variant.
Coding change: c.2599G>C on transcript NM_014264.5 (MANE Select); coding-DNA position 2599, G replaced by C.
Protein change: p.Ala867Pro; replaces alanine 867 with proline.
Molecular consequence: missense variant.
Genome position (GRCh38, 1-based): chr4:127,894,989, G>C. VCF-style: chr4-127894989-G-C. GRCh37 (hg19) VCF-style: chr4-128816144-G-C.
Other names: c.2503G>C, p.Ala835Pro (NM_001190799.2); c.2476G>C, p.Ala826Pro (NM_001190801.2); short protein forms A835P, A826P, A867P.
Identifiers: ClinVar variation 1486920 (VCV001486920.5), dbSNP rs759788230, ClinGen allele CA3077105.